The following is an entry in ClinVar:

NM_001164508.2(NEB):c.9840C>G (p.Tyr3280Ter)

Gene: NEB (nebulin; minus strand). Cytogenetic location: 2q23.3.
Variant type: single nucleotide variant.
Coding change: c.9840C>G on transcript NM_001164508.2 (MANE Select); coding-DNA position 9840, C replaced by G.
Protein change: p.Tyr3280Ter; replaces tyrosine 3280 with a stop codon.
Molecular consequence: nonsense.
Genome position (GRCh38, 1-based): chr2:151,627,826, G>C on the plus strand (C>G on the coding strand, the complement: NEB is on the minus strand). VCF-style: chr2-151627826-G-C. GRCh37 (hg19) VCF-style: chr2-152484340-G-C.
Other names: NM_001164508.2(NEB):c.9840C>G; p.Tyr3280Ter; c.9840C>G, p.Tyr3280Ter (NM_001164507.2, NM_001271208.2); c.9111C>G, p.Tyr3037Ter (NM_004543.5); short protein forms Y3037*, Y3280*.
Identifiers: ClinVar variation 1071773 (VCV001071773.9), dbSNP rs766355387, ClinGen allele CA348796297.

ClinVar aggregate classification (germline): Pathogenic/Likely pathogenic. Review status: criteria provided, multiple submitters, no conflicts (2 of 4 stars). 3 submissions from 3 submitters: Pathogenic (2); Likely pathogenic (1). Last evaluated 2025-03-17.

Conditions:
Nemaline myopathy 2 (NEM2). Also called: Nemaline myopathy 2, autosomal recessive. Identifiers: MedGen C1850569, MONDO:0009725, OMIM 256030.
Nemaline myopathy. Also called: Myopathies, Nemaline. Identifiers: Orphanet 607, MedGen C0206157, MONDO:0018958.

gnomAD v4.1: 1 of 1,613,210 alleles (0.000062%); highest among the groups gnomAD compares: Non-Finnish European, 0.000085%; no homozygotes.

Submissions (3):

Broad Center for Mendelian Genomics, Broad Institute of MIT and Harvard
Classification: Likely pathogenic for Nemaline myopathy. Last evaluated: 2025-03-17. Review status: criteria provided, single submitter. Criteria: ACMG Guidelines, 2015. Collection method: curation. Allele origin: germline. Inheritance: Autosomal recessive inheritance.
Comment: The p.Tyr3280Ter variant in NEB has not been previously reported in the literature in individuals with nemaline myopathy, but has been identified in 0.00009% (1/1179306) of European (non-Finnish) chromosomes by the Genome Aggregation Database (gnomAD, dbSNP ID: rs766355387). Although this variant has been seen in the general population in a heterozygous state, its frequency is low enough to be consistent with a recessive carrier frequency. This variant has also been reported in ClinVar (Variation ID: 1071773) and has been interpreted as pathogenic by Invitae. This nonsense variant leads to a premature termination codon at position 3280, which is predicted to lead to a truncated or absent protein. Loss of function of the NEB gene is an established disease mechanism in autosomal recessive nemaline myopathy. In summary, although additional studies are required to fully establish its clinical significance, this variant is likely pathogenic for autosomal recessive nemaline myopathy. ACMG/AMP Criteria applied: PVS1, PM2_supporting (Richards 2015).

Myriad Genetics, Inc.
Classification: Pathogenic for Nemaline myopathy 2. Last evaluated: 2024-05-08. Review status: criteria provided, single submitter. Criteria: Myriad Autosomal Dominant, Autosomal Recessive and X-Linked Classification Criteria (2023). Collection method: clinical testing. Allele origin: unknown.
Comment: NM_001271208.1(NEB):c.9840C>G(Y3280*) is expected to be pathogenic in the context of NEB-related nemaline myopathy. This variant is predicted to lead to an abnormal or absent protein product due to the creation of a premature termination codon in NEB, a gene where loss-of-function variants are known to be pathogenic. Please note: this variant was assessed in the context of healthy population screening.

Labcorp Genetics (formerly Invitae), Labcorp
Classification: Pathogenic for Nemaline myopathy 2. Last evaluated: 2020-08-31. Review status: criteria provided, single submitter. Criteria: Invitae Variant Classification Sherloc (09022015). Collection method: clinical testing. Allele origin: germline.
Comment: For these reasons, this variant has been classified as Pathogenic. Loss-of-function variants in NEB are known to be pathogenic (PMID: 25205138). This variant has not been reported in the literature in individuals with NEB-related conditions. This variant is not present in population databases (ExAC no frequency). This sequence change creates a premature translational stop signal (p.Tyr3280*) in the NEB gene. It is expected to result in an absent or disrupted protein product.

Literature cited by the submitters: PubMed 25205138 (cited by Labcorp Genetics (formerly Invitae), Labcorp).